The following is an entry in ClinVar:

ClinVar aggregate classification (germline): Likely benign (1 of 4 stars; one submission).

Allele frequency attached by ClinVar (database versions not stated): gnomAD exomes 0.00062; gnomAD 0.00571 and 0.00616; TOPMed 0.00615; 1000 Genomes Project 0.00739; 1000 Genomes Project 30x 0.00781.

Submission:

GeneDx
Classification: Likely benign. Last evaluated: 2018-06-16. Review status: criteria provided, single submitter. Criteria: GeneDx Variant Classification (06012015). Collection method: clinical testing. Allele origin: germline. Affected: yes.
Comment: This variant is considered likely benign or benign based on one or more of the following criteria: it is a conservative change, it occurs at a poorly conserved position in the protein, it is predicted to be benign by multiple in silico algorithms, and/or has population frequency not consistent with disease.

NM_018109.4(MTPAP):c.331-151A>C

Gene: MTPAP (mitochondrial poly(A) polymerase; minus strand). Cytogenetic location: 10p11.23.
Variant type: single nucleotide variant.
Coding change: c.331-151A>C on transcript NM_018109.4 (MANE Select); 151 bases into the intron before coding-DNA position 331, A replaced by C.
Molecular consequence: intron variant.
Genome position (GRCh38, 1-based): chr10:30,340,601, T>G on the plus strand (A>C on the coding strand, the complement: MTPAP is on the minus strand). VCF-style: chr10-30340601-T-G. GRCh37 (hg19) VCF-style: chr10-30629530-T-G.
Identifiers: ClinVar variation 679645 (VCV000679645.1), dbSNP rs147107474, ClinGen allele CA205284465.
Genomic context (GRCh38, chr10:30,340,601, plus strand): 5'-GCTACAAAATATCAAGTCTTTAAAATTTACAAATGATATGATTCTAACATAGCATTAATT[T>G]TATTCAATTTAAGTAGATGAAGAAAAGGAACACTGGGCCGGGCGCAGTGGCTCACGCTTG-3'